The following is an entry in ClinVar:

NM_014365.3(HSPB8):c.17T>C (p.Met6Thr)

Gene: HSPB8 (heat shock protein family B (small) member 8; plus strand). Cytogenetic location: 12q24.23.
Variant type: single nucleotide variant.
Coding change: c.17T>C on transcript NM_014365.3 (MANE Select); coding-DNA position 17, T replaced by C.
Protein change: p.Met6Thr; replaces methionine 6 with threonine.
Molecular consequence: missense variant.
Genome position (GRCh38, 1-based): chr12:119,179,329, T>C. VCF-style: chr12-119179329-T-C. GRCh37 (hg19) VCF-style: chr12-119617134-T-C.
Other names: c.17T>C (NM_014365.2); short protein forms M6T.
Identifiers: ClinVar variation 1048978 (VCV001048978.5), dbSNP rs530083542, ClinGen allele CA244334572.

ClinVar aggregate classification (germline): Uncertain significance. Review status: criteria provided, multiple submitters, no conflicts (2 of 4 stars). 3 submissions from 3 submitters: Uncertain significance (2). 1 of the submissions does not count toward it. Last evaluated 2026-03-26.

Conditions:
Charcot-Marie-Tooth disease axonal type 2L. Also called: Charcot-Marie-Tooth Neuropathy Type 2L; CHARCOT-MARIE-TOOTH DISEASE, AXONAL, AUTOSOMAL DOMINANT, TYPE 2L; CHARCOT-MARIE-TOOTH NEUROPATHY, AXONAL, TYPE 2L. Identifiers: Orphanet 99945, MedGen C1837552, MONDO:0012096, OMIM 608673.
HSPB8-related disorder. Also called: HSPB8-related condition.

Allele frequency attached by ClinVar (database versions not stated): gnomAD 0.00001; gnomAD exomes 0.00001; 1000 Genomes Project 30x 0.00016; 1000 Genomes Project 0.00020.
gnomAD v4.1: 14 of 1,613,886 alleles (0.00087%); highest among the groups gnomAD compares: South Asian, 0.013%; no homozygotes.

Submissions (3):

PreventionGenetics, part of Exact Sciences
Classification: Uncertain significance for HSPB8-related condition. Last evaluated: 2026-03-26. Review status: criteria provided, single submitter. Criteria: ACMG Guidelines, 2015. Collection method: clinical testing. Allele origin: germline.
Comment: The HSPB8 c.17T>C variant is predicted to result in the amino acid substitution p.Met6Thr. To our knowledge, this variant has not been reported in the literature. This variant is reported in 0.0065% of alleles in individuals of South Asian descent in gnomAD. At this time, the clinical significance of this variant is uncertain due to the absence of conclusive functional and genetic evidence.

Labcorp Genetics (formerly Invitae), Labcorp
Classification: Uncertain significance for Charcot-Marie-Tooth disease axonal type 2L. Last evaluated: 2023-11-22. Review status: criteria provided, single submitter. Criteria: Invitae Variant Classification Sherloc (09022015). Collection method: clinical testing. Allele origin: germline.
Comment: This sequence change replaces methionine, which is neutral and non-polar, with threonine, which is neutral and polar, at codon 6 of the HSPB8 protein (p.Met6Thr). This variant is present in population databases (rs530083542, gnomAD 0.006%). This missense change has been observed in individual(s) with clinical features of HSPB8-related conditions (Invitae). ClinVar contains an entry for this variant (Variation ID: 1048978). An algorithm developed to predict the effect of missense changes on protein structure and function (PolyPhen-2) suggests that this variant is likely to be tolerated. In summary, the available evidence is currently insufficient to determine the role of this variant in disease. Therefore, it has been classified as a Variant of Uncertain Significance.

Department of Pathology and Laboratory Medicine, Sinai Health System
Classification: Uncertain significance. Review status: no assertion criteria provided. Collection method: clinical testing. Allele origin: unknown. Affected: yes. Study: The Canadian Open Genetics Repository (COGR). Not counted in ClinVar's aggregate classification.
Comment: The HSPB8 p.Met6Thr variant was not identified in the literature nor was it identified in ClinVar or LOVD 3.0. The variant was identified in dbSNP (ID: rs530083542) and in control databases in 3 of 250740 chromosomes at a frequency of 0.00001196 (Genome Aggregation Database March 6, 2019, v2.1.1). The variant was observed in the following populations: Other in 1 of 6116 chromosomes (freq: 0.000164) and South Asian in 2 of 30614 chromosomes (freq: 0.000065), but was not observed in the African, Latino, Ashkenazi Jewish, East Asian, European (Finnish) or European (non-Finnish) populations. The p.Met6 residue is not conserved in mammals and computational analyses (PolyPhen-2, SIFT, AlignGVGD, BLOSUM, MutationTaster) provide inconsistent predictions regarding the impact to the protein; this information is not very predictive of pathogenicity. The variant occurs outside of the splicing consensus sequence and in silico or computational prediction software programs (SpliceSiteFinder, MaxEntScan, NNSPLICE, GeneSplicer) do not predict a difference in splicing. In summary, based on the above information the clinical significance of this variant cannot be determined with certainty at this time. This variant is classified as a variant of uncertain significance.